The following is an entry in ClinVar:

ClinVar aggregate classification (germline): Uncertain significance. Review status: criteria provided, multiple submitters, no conflicts (2 of 4 stars). 2 submissions from 2 submitters: Uncertain significance (2). Last evaluated 2024-09-01.

Allele frequency attached by ClinVar (database versions not stated): TOPMed 0.00005; ExAC 0.00006.
gnomAD v4.1: 24 of 1,614,114 alleles (0.0015%); highest among the groups gnomAD compares: Admixed American, 0.02%; no homozygotes.

Submissions (2):

CeGaT Center for Human Genetics Tuebingen
Classification: Uncertain significance. Last evaluated: 2024-09-01. Review status: criteria provided, single submitter. Criteria: CeGaT Center For Human Genetics Tuebingen Variant Classification Criteria Version 2. Collection method: clinical testing. Allele origin: germline. Affected: yes. Observed: 2 variant alleles.
Comment: TYR: PM1, PM2, PP4

Labcorp Genetics (formerly Invitae), Labcorp
Classification: Uncertain significance. Last evaluated: 2022-06-20. Review status: criteria provided, single submitter. Criteria: Invitae Variant Classification Sherloc (09022015). Collection method: clinical testing. Allele origin: germline.
Comment: This sequence change replaces proline, which is neutral and non-polar, with leucine, which is neutral and non-polar, at codon 38 of the TYR protein (p.Pro38Leu). This variant is present in population databases (rs759624945, gnomAD 0.03%). This variant has not been reported in the literature in individuals affected with TYR-related conditions. Advanced modeling of protein sequence and biophysical properties (such as structural, functional, and spatial information, amino acid conservation, physicochemical variation, residue mobility, and thermodynamic stability) performed at Invitae indicates that this missense variant is not expected to disrupt TYR protein function. In summary, the available evidence is currently insufficient to determine the role of this variant in disease. Therefore, it has been classified as a Variant of Uncertain Significance.

NM_000372.5(TYR):c.113C>T (p.Pro38Leu)

Gene: TYR (tyrosinase; plus strand). Cytogenetic location: 11q14.3.
Variant type: single nucleotide variant.
Coding change: c.113C>T on transcript NM_000372.5 (MANE Select); coding-DNA position 113, C replaced by T.
Protein change: p.Pro38Leu; replaces proline 38 with leucine.
Molecular consequence: missense variant.
Genome position (GRCh38, 1-based): chr11:89,178,066, C>T. VCF-style: chr11-89178066-C-T. GRCh37 (hg19) VCF-style: chr11-88911234-C-T.
Other names: short protein forms P38L.
Identifiers: ClinVar variation 1379612 (VCV001379612.24), dbSNP rs759624945, ClinGen allele CA6221041.
Genomic context (GRCh38, chr11:89,178,066, plus strand): 5'-GCCATTTCCCTAGAGCCTGTGTCTCCTCTAAGAACCTGATGGAGAAGGAATGCTGTCCAC[C>T]GTGGAGCGGGGACAGGAGTCCCTGTGGCCAGCTTTCAGGCAGAGGTTCCTGTCAGAATAT-3'
Protein context (NP_000363.1, residues 28-48): KNLMEKECCP[Pro38Leu]WSGDRSPCGQ